The following is an entry in ClinVar:

NM_000341.4(SLC3A1):c.1012-3A>G

Gene: SLC3A1 (solute carrier family 3 member 1; plus strand). Cytogenetic location: 2p21.
Variant type: single nucleotide variant.
Coding change: c.1012-3A>G on transcript NM_000341.4 (MANE Select); 3 bases into the intron before coding-DNA position 1012, A replaced by G.
Molecular consequence: intron variant.
Genome position (GRCh38, 1-based): chr2:44,301,000, A>G. VCF-style: chr2-44301000-A-G. GRCh37 (hg19) VCF-style: chr2-44528139-A-G.
Identifiers: ClinVar variation 2037042 (VCV002037042.4), dbSNP rs1446882241, ClinGen allele CA532703653.

ClinVar aggregate classification (germline): Uncertain significance (1 of 4 stars; one submission).

Conditions:
Cystinuria (CSNU). Also called: CYSTINURIA, TYPE I; CYSTINURIA, TYPE II; CYSTINURIA, TYPE III; Cystinuria, non-type I. Identifiers: Orphanet 214, MedGen C0010691, MONDO:0009067, OMIM 220100, HP:0003131.

Allele frequency attached by ClinVar (database versions not stated): gnomAD exomes below 0.00001.
gnomAD v4.1: 2 of 1,613,970 alleles (0.00012%); highest among the groups gnomAD compares: South Asian, 0.0011%; no homozygotes.

Submission:

Labcorp Genetics (formerly Invitae), Labcorp
Classification: Uncertain significance for Cystinuria. Last evaluated: 2022-01-11. Review status: criteria provided, single submitter. Criteria: Invitae Variant Classification Sherloc (09022015). Collection method: clinical testing. Allele origin: germline.
Comment: In summary, the available evidence is currently insufficient to determine the role of this variant in disease. Therefore, it has been classified as a Variant of Uncertain Significance. Variants that disrupt the consensus splice site are a relatively common cause of aberrant splicing (PMID: 17576681, 9536098). Algorithms developed to predict the effect of sequence changes on RNA splicing suggest that this variant may disrupt the consensus splice site. This variant has been observed in individual(s) with clinical features of cystinuria (Invitae). This variant is present in population databases (no rsID available, gnomAD 0.003%). This sequence change falls in intron 5 of the SLC3A1 gene. It does not directly change the encoded amino acid sequence of the SLC3A1 protein. It affects a nucleotide within the consensus splice site.

Literature cited by the submitters: PubMed 17576681; PubMed 9536098.